The following is an entry in ClinVar:

NM_032193.4(RNASEH2C):c.265AAG[1] (p.Lys90del)

Gene: RNASEH2C (ribonuclease H2 subunit C; minus strand). Cytogenetic location: 11q13.1.
Variant type: Microsatellite.
Coding change: c.265AAG[1] on transcript NM_032193.4 (MANE Select); one copy of the 3-base unit AAG starting at c.265; the reference has two copies in a row; one copy, 3 bases deleted; also written c.268_270del.
Protein change: p.Lys90del; deletes lysine 90.
Molecular consequence: inframe deletion.
Genome position (GRCh38, 1-based): chr11:65,720,320-65,720,322, CTT deleted on the plus strand (AAG on the coding strand, the reverse complement: RNASEH2C is on the minus strand); deleting any 3 consecutive bases within chr11:65,720,320-65,720,327 gives the same sequence; the position shown is the placement nearest the transcript's 3' end. VCF-style (leftmost placement, unchanged base first): chr11-65720319-CCTT-C. GRCh37 (hg19) VCF-style: chr11-65487790-CCTT-C.
Other names: p.Lys90del; c.268_270delAAG (NM_032193.3); c.268_270del (NM_032193.4); short protein forms K90del.
Identifiers: ClinVar variation 305363 (VCV000305363.18), dbSNP rs141875736, ClinGen allele CA6107752.

ClinVar aggregate classification (germline): Benign/Likely benign. Review status: criteria provided, multiple submitters, no conflicts (2 of 4 stars). 5 submissions from 5 submitters: Benign (4); Likely benign (1). Last evaluated 2026-02-02.

Conditions:
Aicardi-Goutieres syndrome 3. Identifiers: Orphanet 51, MedGen C1835916, MONDO:0012471, OMIM 610329.

Submissions (5):

Labcorp Genetics (formerly Invitae), Labcorp
Classification: Benign for Aicardi-Goutieres syndrome 3. Last evaluated: 2026-02-02. Review status: criteria provided, single submitter. Criteria: Invitae Variant Classification Sherloc (09022015). Collection method: clinical testing. Allele origin: germline.

Mayo Clinic Laboratories, Mayo Clinic
Classification: Benign. Last evaluated: 2024-05-09. Review status: criteria provided, single submitter. Criteria: ACMG Guidelines, 2015. Collection method: clinical testing. Allele origin: germline. Observed: 5 variant alleles.
Comment: BA1, BS2, BS3

Athena Diagnostics
Classification: Benign. Last evaluated: 2024-04-08. Review status: criteria provided, single submitter. Criteria: Athena Diagnostics Criteria. Collection method: clinical testing. Allele origin: unknown.

Fulgent Genetics
Classification: Likely benign for Aicardi-Goutieres syndrome 3. Last evaluated: 2022-04-22. Review status: criteria provided, single submitter. Criteria: ACMG Guidelines, 2015. Collection method: clinical testing. Allele origin: unknown.

GeneDx
Classification: Benign. Last evaluated: 2015-04-15. Review status: criteria provided, single submitter. Criteria: GeneDx Variant Classification (06012015). Collection method: clinical testing. Allele origin: germline. Affected: yes.
Comment: This variant is considered likely benign or benign based on one or more of the following criteria: it is a conservative change, it occurs at a poorly conserved position in the protein, it is predicted to be benign by multiple in silico algorithms, and/or has population frequency not consistent with disease.

Literature cited by the submitters: PubMed 25500883 (cited by Mayo Clinic Laboratories, Mayo Clinic and Athena Diagnostics).